The following is an entry in ClinVar:

NM_020778.5(ALPK3):c.3430C>A (p.Pro1144Thr)

Gene: ALPK3 (alpha kinase 3; plus strand). Cytogenetic location: 15q25.3.
Variant type: single nucleotide variant.
Coding change: c.3430C>A on transcript NM_020778.5 (MANE Select); coding-DNA position 3430, C replaced by A.
Protein change: p.Pro1144Thr; replaces proline 1144 with threonine.
Molecular consequence: missense variant.
Genome position (GRCh38, 1-based): chr15:84,858,168, C>A. VCF-style: chr15-84858168-C-A. GRCh37 (hg19) VCF-style: chr15-85401399-C-A.
Other names: short protein forms P1144T.
Identifiers: ClinVar variation 3291380 (VCV003291380.1).

ClinVar aggregate classification (germline): Uncertain significance (1 of 4 stars; one submission).

Conditions:
Cardiovascular phenotype. Identifiers: MedGen CN230736.

Submission:

Ambry Genetics
Classification: Uncertain significance for Cardiovascular phenotype. Last evaluated: 2024-03-30. Review status: criteria provided, single submitter. Criteria: Ambry Variant Classification Scheme 2023. Collection method: clinical testing. Allele origin: germline.
Comment: The p.P1346T variant (also known as c.4036C>A), located in coding exon 6 of the ALPK3 gene, results from a C to A substitution at nucleotide position 4036. The proline at codon 1346 is replaced by threonine, an amino acid with highly similar properties. This amino acid position is conserved. In addition, this alteration is predicted to be tolerated by in silico analysis. Based on the available evidence, the clinical significance of this alteration remains unclear.